The following is an entry in ClinVar:

NM_000532.5(PCCB):c.220C>A (p.Leu74Met)

Gene: PCCB (propionyl-CoA carboxylase subunit beta; plus strand). Cytogenetic location: 3q22.3.
Variant type: single nucleotide variant.
Coding change: c.220C>A on transcript NM_000532.5 (MANE Select); coding-DNA position 220, C replaced by A.
Protein change: p.Leu74Met; replaces leucine 74 with methionine.
Molecular consequence: missense variant.
Genome position (GRCh38, 1-based): chr3:136,255,892, C>A. VCF-style: chr3-136255892-C-A. GRCh37 (hg19) VCF-style: chr3-135974734-C-A.
Other names: c.220C>A, p.Leu74Met (NM_001178014.2); short protein forms L74M.
Identifiers: ClinVar variation 3365375 (VCV003365375.2).

ClinVar aggregate classification (germline): Uncertain significance. Review status: criteria provided, single submitter (1 of 4 stars). 2 submissions from 2 submitters: Uncertain significance (1). 1 of the submissions does not count toward it. Last evaluated 2023-12-08.

Conditions:
Propionic acidemia (PROP). Also called: GLYCINEMIA, KETOTIC; HYPERGLYCINEMIA WITH KETOACIDOSIS AND LEUKOPENIA; KETOTIC HYPERGLYCINEMIA. Identifiers: Orphanet 35, MedGen C0268579, MONDO:0011628, OMIM 606054, HP:0003571.

Submissions (2):

GeneDx
Classification: Uncertain significance. Last evaluated: 2023-12-08. Review status: criteria provided, single submitter. Criteria: GeneDx Variant Classification Process June 2021. Collection method: clinical testing. Allele origin: germline. Affected: yes.
Comment: Not observed at significant frequency in large population cohorts (gnomAD); In silico analysis supports that this missense variant does not alter protein structure/function; Has not been previously published as pathogenic or benign to our knowledge

Natera, Inc.
Classification: Uncertain significance for Propionic acidemia. Last evaluated: 2025-05-06. Review status: no assertion criteria provided. Collection method: clinical testing. Allele origin: germline. Not counted in ClinVar's aggregate classification.